The following is an entry in ClinVar:

NM_198525.3(KIF7):c.2718+6G>A

Gene: KIF7 (kinesin family member 7; minus strand). Cytogenetic location: 15q26.1.
Variant type: single nucleotide variant.
Coding change: c.2718+6G>A on transcript NM_198525.3 (MANE Select); 6 bases into the intron after coding-DNA position 2718, G replaced by A.
Molecular consequence: intron variant.
Genome position (GRCh38, 1-based): chr15:89,633,135, C>T on the plus strand (G>A on the coding strand, the complement: KIF7 is on the minus strand). VCF-style: chr15-89633135-C-T. GRCh37 (hg19) VCF-style: chr15-90176366-C-T.
Identifiers: ClinVar variation 1425928 (VCV001425928.4), dbSNP rs968822922, ClinGen allele CA274568443.

ClinVar aggregate classification (germline): Conflicting classifications of pathogenicity. Review status: criteria provided, conflicting classifications (1 of 4 stars). 2 submissions from 2 submitters: Uncertain significance (1); Likely benign (1). Last evaluated 2024-04-05.

Conditions:
Acrocallosal syndrome (ACLS). Also called: HALLUX DUPLICATION, POSTAXIAL POLYDACTYLY, AND ABSENCE OF CORPUS CALLOSUM; Schinzel syndrome 1; Absence of corpus callosum with unusual facial appearance, mental deficiency, duplication of the halluces and polydactyly. Identifiers: Orphanet 36, MedGen C0796147, MONDO:0008708, OMIM 200990.

Allele frequency attached by ClinVar (database versions not stated): gnomAD exomes 0.00001; gnomAD 0.00002; TOPMed 0.00003.
gnomAD v4.1: 14 of 1,602,080 alleles (0.00087%); highest among the groups gnomAD compares: Non-Finnish European, 0.0012%; no homozygotes.

Submissions (2):

Blueprint Genetics
Classification: Likely benign. Last evaluated: 2024-04-05. Review status: criteria provided, single submitter. Criteria: ACMG Guidelines, 2015. Collection method: clinical testing. Allele origin: germline.

Labcorp Genetics (formerly Invitae), Labcorp
Classification: Uncertain significance for Acrocallosal syndrome. Last evaluated: 2022-08-12. Review status: criteria provided, single submitter. Criteria: Invitae Variant Classification Sherloc (09022015). Collection method: clinical testing. Allele origin: germline.
Comment: This sequence change falls in intron 13 of the KIF7 gene. It does not directly change the encoded amino acid sequence of the KIF7 protein. It affects a nucleotide within the consensus splice site. This variant is not present in population databases (gnomAD no frequency). This variant has not been reported in the literature in individuals affected with KIF7-related conditions. ClinVar contains an entry for this variant (Variation ID: 1425928). Variants that disrupt the consensus splice site are a relatively common cause of aberrant splicing (PMID: 17576681, 9536098). Algorithms developed to predict the effect of sequence changes on RNA splicing suggest that this variant is not likely to affect RNA splicing. In summary, the available evidence is currently insufficient to determine the role of this variant in disease. Therefore, it has been classified as a Variant of Uncertain Significance.

Literature cited by the submitters: PubMed 17576681 (cited by Labcorp Genetics (formerly Invitae), Labcorp); PubMed 9536098 (cited by Labcorp Genetics (formerly Invitae), Labcorp).